The following is an entry in ClinVar:

ClinVar aggregate classification (germline): Uncertain significance. Review status: criteria provided, multiple submitters, no conflicts (2 of 4 stars). 2 submissions from 2 submitters: Uncertain significance (2). Last evaluated 2026-09-01.

Conditions:
Familial thoracic aortic aneurysm and aortic dissection (TAAD). Also called: Thoracic aortic aneurysms and dissections. Identifiers: Orphanet 91387, MedGen C4707243, MONDO:0019625.
Ehlers-Danlos syndrome, classic type, 1 (EDSCL1). Also called: EHLERS-DANLOS SYNDROME, GRAVIS TYPE; EHLERS-DANLOS SYNDROME, SEVERE CLASSIC TYPE; EDS I; Ehlers-Danlos syndrome, type 1; Ehlers-Danlos Syndrome, Classic Type, COL5A1-Related. Identifiers: MedGen C0268335, MONDO:0019567, OMIM 130000.

gnomAD v4.1: 4 of 1,550,616 alleles (0.00026%); highest among the groups gnomAD compares: African/African-American, 0.0055%; no homozygotes.

Submissions (2):

Ambry Genetics
Classification: Uncertain significance for Familial thoracic aortic aneurysm and aortic dissection. Last evaluated: 2026-09-01. Review status: criteria provided, single submitter. Criteria: Ambry Variant Classification Scheme 2023. Collection method: clinical testing. Allele origin: germline.
Comment: The c.3280C>A (p.P1094T) alteration is located in exon 42 (coding exon 42) of the COL5A1 gene. This alteration results from a C to A substitution at nucleotide position 3280, causing the proline (P) at amino acid position 1094 to be replaced by a threonine (T). Based on data from gnomAD, the A allele has an overall frequency of <0.001% (0/155184) total alleles studied. The highest observed frequency was <0.001% (/) of alleles. Based on insufficient or conflicting evidence, the clinical significance of this alteration remains unclear.

Labcorp Genetics (formerly Invitae), Labcorp
Classification: Uncertain significance for Ehlers-Danlos syndrome, classic type, 1. Last evaluated: 2025-12-01. Review status: criteria provided, single submitter. Criteria: Invitae Variant Classification Sherloc (09022015). Collection method: clinical testing. Allele origin: germline.
Comment: This sequence change replaces proline, which is neutral and non-polar, with threonine, which is neutral and polar, at codon 1094 of the COL5A1 protein (p.Pro1094Thr). This variant is not present in population databases (gnomAD no frequency). This variant has not been reported in the literature in individuals affected with COL5A1-related conditions. Invitae Evidence Modeling of protein sequence and biophysical properties (such as structural, functional, and spatial information, amino acid conservation, physicochemical variation, residue mobility, and thermodynamic stability) indicates that this missense variant is not expected to disrupt COL5A1 protein function with a negative predictive value of 95%. In summary, the available evidence is currently insufficient to determine the role of this variant in disease. Therefore, it has been classified as a Variant of Uncertain Significance.

NM_000093.5(COL5A1):c.3280C>A (p.Pro1094Thr)

Gene: COL5A1 (collagen type V alpha 1 chain; plus strand). Cytogenetic location: 9q34.3.
Variant type: single nucleotide variant.
Coding change: c.3280C>A on transcript NM_000093.5 (MANE Select); coding-DNA position 3280, C replaced by A.
Protein change: p.Pro1094Thr; replaces proline 1094 with threonine.
Molecular consequence: missense variant.
Genome position (GRCh38, 1-based): chr9:134,806,210, C>A. VCF-style: chr9-134806210-C-A. GRCh37 (hg19) VCF-style: chr9-137698056-C-A.
Other names: c.3280C>A, p.Pro1094Thr (NM_001278074.1); c.3280C>A (NM_000093.3); short protein forms P1094T.
Identifiers: ClinVar variation 4705474 (VCV004705474.2).